The following is an entry in ClinVar:

NM_000180.4(GUCY2D):c.236T>A (p.Leu79Gln)

Gene: GUCY2D (guanylate cyclase 2D, retinal; plus strand). Cytogenetic location: 17p13.1.
Variant type: single nucleotide variant.
Coding change: c.236T>A on transcript NM_000180.4 (MANE Select); coding-DNA position 236, T replaced by A.
Protein change: p.Leu79Gln; replaces leucine 79 with glutamine.
Molecular consequence: missense variant.
Genome position (GRCh38, 1-based): chr17:8,003,283, T>A. VCF-style: chr17-8003283-T-A. GRCh37 (hg19) VCF-style: chr17-7906601-T-A.
Other names: NM_000180.4:c.236T>A; short protein forms L79Q.
Identifiers: ClinVar variation 5042543 (VCV005042543.1).

ClinVar aggregate classification (germline): Uncertain significance (3 of 4 stars; one submission).

Conditions:
GUCY2D-related recessive retinopathy. Also called: Recessive GUCY2D retinopathy. Identifiers: MedGen CN305603, MONDO:0100453.

Submission:

ClinGen Leber Congenital Amaurosis/early Onset Retinal Dystrophy Variant Curation Expert Panel, ClinGen
Classification: Uncertain significance for GUCY2D-related recessive retinopathy. Last evaluated: 2026-11-06. Review status: reviewed by expert panel. Criteria: ClinGen LCAeoRD ACMG Specifications GUCY2D V1.0.0. Collection method: curation. Allele origin: germline. Inheritance: Autosomal recessive inheritance.
Comment: The NM_000180.4(GUCY2D):c.236T>A (p.Leu79Gln) variant located in exon 2 of 20 causes the replacement of a leucine with a glutamine at residue p.79. This variant is absent from gnomAD v4.1.2 (PM2_Supporting). The computational predictor REVEL gives a score of 0.799, which is above the ClinGen LCA/eoRD VCEP threshold of ≥0.774 and predicts a damaging effect on RETGC-1 protein function (PP3_Moderate). At least one proband harboring this variant exhibits a phenotype including cone-rod dystrophy (0.5 pts), decreased central vision acuity (1), and was tested by an ocular gene panel (2 pts), which are not sufficiently specific for GUCY2D-related recessive retinopathy to meet the PP4 code. In summary, this variant meets the criteria to be classified as a Variant of Uncertain Significance for GUCY2D-related recessive retinopathy based on the ACMG/AMP criteria applied, as specified by the ClinGen LCA/eoRD VCEP: PM2_Supporting, PP3_Moderate. (LCA/eoRD VCEP specifications version 1.0.0).